The following is an entry in ClinVar:

NM_007194.4(CHEK2):c.441C>G (p.Phe147Leu)

Gene: CHEK2 (checkpoint kinase 2; minus strand). Cytogenetic location: 22q12.1.
Variant type: single nucleotide variant.
Coding change: c.441C>G on transcript NM_007194.4 (MANE Select); coding-DNA position 441, C replaced by G.
Protein change: p.Phe147Leu; replaces phenylalanine 147 with leucine.
Molecular consequence: missense variant.
Genome position (GRCh38, 1-based): chr22:28,725,246, G>C on the plus strand (C>G on the coding strand, the complement: CHEK2 is on the minus strand). VCF-style: chr22-28725246-G-C. GRCh37 (hg19) VCF-style: chr22-29121234-G-C.
Other names: c.570C>G, p.Phe190Leu (NM_001005735.3); c.-337C>G (NM_001257387.3); c.441C>G, p.Phe147Leu (NM_001349956.3, NM_145862.3); short protein forms F147L, F190L.
Identifiers: ClinVar variation 2749798 (VCV002749798.3), dbSNP rs2146066450, ClinGen allele CA411107854.

ClinVar aggregate classification (germline): Uncertain significance (1 of 4 stars; one submission).

Conditions:
Familial cancer of breast. Also called: BREAST CANCER, FAMILIAL; hereditary breast carcinoma; Hereditary breast cancer. Identifiers: Orphanet 227535, MedGen C0346153, MONDO:0016419, OMIM 114480. Disease mechanism: loss of function.

Submission:

Labcorp Genetics (formerly Invitae), Labcorp
Classification: Uncertain significance for Familial cancer of breast. Last evaluated: 2023-05-30. Review status: criteria provided, single submitter. Criteria: Invitae Variant Classification Sherloc (09022015). Collection method: clinical testing. Allele origin: germline.
Comment: In summary, the available evidence is currently insufficient to determine the role of this variant in disease. Therefore, it has been classified as a Variant of Uncertain Significance. An algorithm developed to predict the effect of missense changes on protein structure and function (PolyPhen-2) suggests that this variant is likely to be disruptive. This variant has not been reported in the literature in individuals affected with CHEK2-related conditions. This variant is not present in population databases (gnomAD no frequency). This sequence change replaces phenylalanine, which is neutral and non-polar, with leucine, which is neutral and non-polar, at codon 147 of the CHEK2 protein (p.Phe147Leu).